The following is an entry in ClinVar:

NM_017802.4(DNAAF5):c.2498A>G (p.His833Arg)

Gene: DNAAF5 (dynein axonemal assembly factor 5; plus strand). Cytogenetic location: 7p22.3.
Variant type: single nucleotide variant.
Coding change: c.2498A>G on transcript NM_017802.4 (MANE Select); coding-DNA position 2498, A replaced by G.
Protein change: p.His833Arg; replaces histidine 833 with arginine.
Molecular consequence: missense variant. On other transcripts: non-coding transcript variant (1).
Genome position (GRCh38, 1-based): chr7:785,583, A>G. VCF-style: chr7-785583-A-G. GRCh37 (hg19) VCF-style: chr7-825220-A-G.
Other names: short protein forms H833R.
Identifiers: ClinVar variation 3604652 (VCV003604652.2).

ClinVar aggregate classification (germline): Uncertain significance (1 of 4 stars; one submission).

Conditions:
Primary ciliary dyskinesia. Also called: Ciliary dyskinesia. Identifiers: Orphanet 244, MedGen C0008780, MONDO:0016575, HP:0012265.

gnomAD v4.1: 13 of 1,613,378 alleles (0.00081%); highest among the groups gnomAD compares: African/African-American, 0.0013%; no homozygotes.

Submission:

Labcorp Genetics (formerly Invitae), Labcorp
Classification: Uncertain significance for Primary ciliary dyskinesia. Last evaluated: 2025-01-08. Review status: criteria provided, single submitter. Criteria: Invitae Variant Classification Sherloc (09022015). Collection method: clinical testing. Allele origin: germline.
Comment: This sequence change replaces histidine, which is basic and polar, with arginine, which is basic and polar, at codon 833 of the DNAAF5 protein (p.His833Arg). This variant is not present in population databases (gnomAD no frequency). This variant has not been reported in the literature in individuals affected with DNAAF5-related conditions. Invitae Evidence Modeling of protein sequence and biophysical properties (such as structural, functional, and spatial information, amino acid conservation, physicochemical variation, residue mobility, and thermodynamic stability) indicates that this missense variant is expected to disrupt DNAAF5 protein function with a positive predictive value of 80%. In summary, the available evidence is currently insufficient to determine the role of this variant in disease. Therefore, it has been classified as a Variant of Uncertain Significance.